The following is an entry in ClinVar:

ClinVar aggregate classification (germline): Uncertain significance. Review status: criteria provided, multiple submitters, no conflicts (2 of 4 stars). 2 submissions from 2 submitters: Uncertain significance (2). Last evaluated 2023-01-18.

Allele frequency attached by ClinVar (database versions not stated): gnomAD exomes below 0.00001.

Submissions (2):

GeneDx
Classification: Uncertain significance. Last evaluated: 2023-01-18. Review status: criteria provided, single submitter. Criteria: GeneDx Variant Classification Process June 2021. Collection method: clinical testing. Allele origin: germline. Affected: yes.
Comment: Not observed at significant frequency in large population cohorts (gnomAD); In silico analysis supports that this missense variant has a deleterious effect on protein structure/function; Has not been previously published as pathogenic or benign to our knowledge

Labcorp Genetics (formerly Invitae), Labcorp
Classification: Uncertain significance. Last evaluated: 2021-07-12. Review status: criteria provided, single submitter. Criteria: Invitae Variant Classification Sherloc (09022015). Collection method: clinical testing. Allele origin: germline.
Comment: This sequence change replaces leucine with arginine at codon 833 of the WFS1 protein (p.Leu833Arg). The leucine residue is highly conserved and there is a moderate physicochemical difference between leucine and arginine. This variant is not present in population databases (ExAC no frequency). This variant has not been reported in the literature in individuals affected with WFS1-related conditions. Advanced modeling of protein sequence and biophysical properties (such as structural, functional, and spatial information, amino acid conservation, physicochemical variation, residue mobility, and thermodynamic stability) performed at Invitae indicates that this missense variant is expected to disrupt WFS1 protein function. In summary, the available evidence is currently insufficient to determine the role of this variant in disease. Therefore, it has been classified as a Variant of Uncertain Significance.

NM_006005.3(WFS1):c.2498T>G (p.Leu833Arg)

Gene: WFS1 (wolframin ER transmembrane glycoprotein; plus strand). Cytogenetic location: 4p16.1.
Variant type: single nucleotide variant.
Coding change: c.2498T>G on transcript NM_006005.3 (MANE Select); coding-DNA position 2498, T replaced by G.
Protein change: p.Leu833Arg; replaces leucine 833 with arginine.
Molecular consequence: missense variant.
Genome position (GRCh38, 1-based): chr4:6,302,293, T>G. VCF-style: chr4-6302293-T-G. GRCh37 (hg19) VCF-style: chr4-6304020-T-G.
Other names: c.2498T>G, p.Leu833Arg (NM_001145853.1); short protein forms L833R.
Identifiers: ClinVar variation 1518677 (VCV001518677.8), dbSNP rs1386290018, ClinGen allele CA356178739.